The following is an entry in ClinVar:

NM_013382.7(POMT2):c.748del (p.Ile250fs)

Gene: POMT2 (protein O-mannosyltransferase 2; minus strand). Cytogenetic location: 14q24.3.
Variant type: Deletion.
Coding change: c.748del on transcript NM_013382.7 (MANE Select); coding-DNA position 748, one base deleted (A; older notation c.748delA).
Protein change: p.Ile250fs; shifts the reading frame from isoleucine 250.
Molecular consequence: frameshift variant.
Genome position (GRCh38, 1-based): chr14:77,301,158, T deleted on the plus strand (A on the coding strand, the reverse complement: POMT2 is on the minus strand). VCF-style (leftmost placement, unchanged base first): chr14-77301157-AT-A. GRCh37 (hg19) VCF-style: chr14-77767500-AT-A.
Other names: short protein forms I250fs.
Identifiers: ClinVar variation 3760462 (VCV003760462.2).

ClinVar aggregate classification (germline): Pathogenic (1 of 4 stars; one submission).

Conditions:
Muscular dystrophy-dystroglycanopathy (congenital with brain and eye anomalies), type A2. Also called: MUSCULAR DYSTROPHY-DYSTROGLYCANOPATHY (CONGENITAL WITH BRAIN AND EYE ANOMALIES), TYPE A, 2; WALKER-WARBURG SYNDROME OR MUSCLE-EYE-BRAIN DISEASE, POMT2-RELATED. Identifiers: Orphanet 588, Orphanet 899, MedGen C3150411, MONDO:0013154, OMIM 613150.
Autosomal recessive limb-girdle muscular dystrophy type 2N. Also called: MUSCULAR DYSTROPHY-DYSTROGLYCANOPATHY, LIMB-GIRDLE, POMT2-RELATED; Muscular dystrophy-dystroglycanopathy (limb-girdle), type C, 2. Identifiers: Orphanet 206559, MedGen C3150418, MONDO:0013162, OMIM 613158.
Muscular dystrophy-dystroglycanopathy (congenital with impaired intellectual development), type B, 2. Also called: MUSCULAR DYSTROPHY, CONGENITAL, POMT2-RELATED; Muscular dystrophy-dystroglycanopathy (congenital with intellectual disability), type B2. Identifiers: MedGen C3150416, MONDO:0013160, OMIM 613156.

Submission:

Labcorp Genetics (formerly Invitae), Labcorp
Classification: Pathogenic for Muscular dystrophy-dystroglycanopathy (congenital with impaired intellectual development), type B, 2; Muscular dystrophy-dystroglycanopathy (congenital with brain and eye anomalies), type A2; Autosomal recessive limb-girdle muscular dystrophy type 2N. Last evaluated: 2025-01-29. Review status: criteria provided, single submitter. Criteria: Invitae Variant Classification Sherloc (09022015). Collection method: clinical testing. Allele origin: germline.
Comment: This sequence change creates a premature translational stop signal (p.Ile250Serfs*6) in the POMT2 gene. It is expected to result in an absent or disrupted protein product. Loss-of-function variants in POMT2 are known to be pathogenic (PMID: 15894594). This variant is not present in population databases (gnomAD no frequency). This variant has not been reported in the literature in individuals affected with POMT2-related conditions. Algorithms developed to predict the effect of sequence changes on RNA splicing suggest that this variant may disrupt the consensus splice site. For these reasons, this variant has been classified as Pathogenic.

Literature cited by the submitters: PubMed 15894594.